The following is an entry in ClinVar:

ClinVar aggregate classification (germline): Uncertain significance (1 of 4 stars; one submission).

Conditions:
Citrin deficiency. Identifiers: Orphanet 247582, MedGen C1997910, MONDO:0016602.

Allele frequency attached by ClinVar (database versions not stated): gnomAD 0.00001.
gnomAD v4.1: 10 of 1,612,558 alleles (0.00062%); highest among the groups gnomAD compares: South Asian, 0.0022%; no homozygotes.

Submission:

Labcorp Genetics (formerly Invitae), Labcorp
Classification: Uncertain significance for Citrin deficiency. Last evaluated: 2022-07-25. Review status: criteria provided, single submitter. Criteria: Invitae Variant Classification Sherloc (09022015). Collection method: clinical testing. Allele origin: germline.
Comment: This sequence change replaces glycine, which is neutral and non-polar, with serine, which is neutral and polar, at codon 31 of the SLC25A13 protein (p.Gly31Ser). This variant is present in population databases (no rsID available, gnomAD 0.003%). This variant has not been reported in the literature in individuals affected with SLC25A13-related conditions. Algorithms developed to predict the effect of missense changes on protein structure and function are either unavailable or do not agree on the potential impact of this missense change (SIFT: "Deleterious"; PolyPhen-2: "Probably Damaging"; Align-GVGD: "Class C0"). In summary, the available evidence is currently insufficient to determine the role of this variant in disease. Therefore, it has been classified as a Variant of Uncertain Significance.

NM_014251.3(SLC25A13):c.91G>A (p.Gly31Ser)

Gene: SLC25A13 (solute carrier family 25 member 13; minus strand). Cytogenetic location: 7q21.3.
Variant type: single nucleotide variant.
Coding change: c.91G>A on transcript NM_014251.3 (MANE Select); coding-DNA position 91, G replaced by A.
Protein change: p.Gly31Ser; replaces glycine 31 with serine.
Molecular consequence: missense variant. On other transcripts: non-coding transcript variant (1).
Genome position (GRCh38, 1-based): chr7:96,277,317, C>T on the plus strand (G>A on the coding strand, the complement: SLC25A13 is on the minus strand). VCF-style: chr7-96277317-C-T. GRCh37 (hg19) VCF-style: chr7-95906629-C-T.
Other names: c.91G>A, p.Gly31Ser (NM_001160210.2); short protein forms G31S.
Identifiers: ClinVar variation 2197598 (VCV002197598.1), dbSNP rs1367925406, ClinGen allele CA368406707.